The following is an entry in ClinVar:

NC_000003.12:g.169764832G>A

Genes: TERC (telomerase RNA component; minus strand), LOC110806306 (telomerase RNA component (TERC) promoter; plus strand). Cytogenetic location: 3q26.2.
Variant type: single nucleotide variant.
Genome position: GRCh38 VCF-style: chr3-169764832-G-A. GRCh37 (hg19) VCF-style: chr3-169482620-G-A.
Identifiers: ClinVar variation 2800272 (VCV002800272.3), dbSNP rs2108183069, ClinGen allele CA436715343.

ClinVar aggregate classification (germline): Uncertain significance (1 of 4 stars; one submission).

Conditions:
Dyskeratosis congenita, autosomal dominant 1 (DKCA1). Also called: Dyskeratosis congenita Scoggins type. Identifiers: Orphanet 1775, MedGen C4551974, MONDO:0007485, OMIM 127550. Inheritance: Variable.

Allele frequency attached by ClinVar (database versions not stated): gnomAD exomes below 0.00001.
gnomAD v4.1: 1 of 729,494 alleles (0.00014%); highest among the groups gnomAD compares: Non-Finnish European, 0.00025%; no homozygotes.

Submission:

Labcorp Genetics (formerly Invitae), Labcorp
Classification: Uncertain significance for Dyskeratosis congenita, autosomal dominant 1. Last evaluated: 2023-07-03. Review status: criteria provided, single submitter. Criteria: Invitae Variant Classification Sherloc (09022015). Collection method: clinical testing. Allele origin: germline.
Comment: This variant occurs in the TERC gene, which encodes an RNA molecule that does not result in a protein product. This variant is not present in population databases (gnomAD no frequency). This variant has not been reported in the literature in individuals affected with TERC-related conditions. Experimental studies and prediction algorithms are not available or were not evaluated, and the functional significance of this variant is currently unknown. In summary, the available evidence is currently insufficient to determine the role of this variant in disease. Therefore, it has been classified as a Variant of Uncertain Significance. This variant is located within the BoxH/ACA scaRNA domain of the TERC RNA component, which is required for telomerase activity (PMID: 21844345).

Literature cited by the submitters: PubMed 21844345.